The following is an entry in ClinVar:

NM_020806.5(GPHN):c.158dup (p.Ser54fs)

Gene: GPHN (gephyrin; plus strand). Cytogenetic location: 14q23.3.
Variant type: Duplication.
Coding change: c.158dup on transcript NM_020806.5 (MANE Select); coding-DNA position 158, one base duplicated (T; older notation c.158dupT).
Protein change: p.Ser54fs; shifts the reading frame from serine 54.
Molecular consequence: frameshift variant.
Genome position (GRCh38, 1-based): chr14:66,776,478, T duplicated. VCF-style (leftmost placement, unchanged base first): chr14-66776477-A-AT. GRCh37 (hg19) VCF-style: chr14-67243195-A-AT.
Other names: c.158dup, p.Ser54fs (NM_001024218.2, NM_001377514.1, NM_001377515.1 and 4 more transcripts); short protein forms S54fs.
Identifiers: ClinVar variation 3658925 (VCV003658925.2).

ClinVar aggregate classification (germline): Pathogenic (1 of 4 stars; one submission).

Conditions:
Sulfite oxidase deficiency due to molybdenum cofactor deficiency type C. Also called: Molybdenum cofactor deficiency, complementation group C; Molybdenum cofactor deficiency C. Identifiers: Orphanet 308400, Orphanet 833, MedGen C1854990, MONDO:0014212, OMIM 615501.

Submission:

Labcorp Genetics (formerly Invitae), Labcorp
Classification: Pathogenic for Sulfite oxidase deficiency due to molybdenum cofactor deficiency type C. Last evaluated: 2024-07-06. Review status: criteria provided, single submitter. Criteria: Invitae Variant Classification Sherloc (09022015). Collection method: clinical testing. Allele origin: germline.
Comment: This sequence change creates a premature translational stop signal (p.Ser54Ilefs*9) in the GPHN gene. It is expected to result in an absent or disrupted protein product. Loss-of-function variants in GPHN are known to be pathogenic (PMID: 11095995, 23184456, 23393157, 24561070, 26613940). This variant is not present in population databases (gnomAD no frequency). This variant has not been reported in the literature in individuals affected with GPHN-related conditions. For these reasons, this variant has been classified as Pathogenic.

Literature cited by the submitters: PubMed 11095995; PubMed 23184456; PubMed 23393157; PubMed 24561070; PubMed 26613940.